The following is an entry in ClinVar:

ClinVar aggregate classification (germline): Uncertain significance (1 of 4 stars; one submission).

Submission:

Mayo Clinic Laboratories, Mayo Clinic
Classification: Uncertain significance. Last evaluated: 2022-07-05. Review status: criteria provided, single submitter. Criteria: ACMG Guidelines, 2015. Collection method: clinical testing. Allele origin: germline. Observed: 1 variant allele.
Comment: BP5, PM2

NM_002160.4(TNC):c.5845A>G (p.Thr1949Ala)

Gene: TNC (tenascin C; minus strand). Cytogenetic location: 9q33.1.
Variant type: single nucleotide variant.
Coding change: c.5845A>G on transcript NM_002160.4 (MANE Select); coding-DNA position 5845, A replaced by G.
Protein change: p.Thr1949Ala; replaces threonine 1949 with alanine.
Molecular consequence: missense variant.
Genome position (GRCh38, 1-based): chr9:115,031,628, T>C on the plus strand (A>G on the coding strand, the complement: TNC is on the minus strand). VCF-style: chr9-115031628-T-C. GRCh37 (hg19) VCF-style: chr9-117793907-T-C.
Other names: p.Thr1949Ala; c.5299A>G, p.Thr1767Ala (NM_001410991.1); short protein forms T1767A, T1949A.
Identifiers: ClinVar variation 2683060 (VCV002683060.1), dbSNP rs2539015852, ClinGen allele CA374625692.